The following is an entry in ClinVar:

ClinVar aggregate classification (germline): Likely benign. Review status: criteria provided, single submitter (1 of 4 stars). 2 submissions from 2 submitters: Likely benign (1). 1 of the submissions does not count toward it. Last evaluated 2025-12-09.

Conditions:
PUS1-related disorder. Also called: PUS1-related condition.

Allele frequency attached by ClinVar (database versions not stated): gnomAD 0.00006; TOPMed 0.00007.
gnomAD v4.1: 64 of 1,613,568 alleles (0.004%); highest among the groups gnomAD compares: Admixed American, 0.047%; no homozygotes.

Submissions (2):

Labcorp Genetics (formerly Invitae), Labcorp
Classification: Likely benign. Last evaluated: 2025-12-09. Review status: criteria provided, single submitter. Criteria: Invitae Variant Classification Sherloc (09022015). Collection method: clinical testing. Allele origin: germline.

PreventionGenetics, part of Exact Sciences
Classification: Likely benign for PUS1-related condition. Last evaluated: 2019-06-27. Review status: no assertion criteria provided. Collection method: clinical testing. Allele origin: germline. Not counted in ClinVar's aggregate classification.
Comment: This variant is classified as likely benign based on ACMG/AMP sequence variant interpretation guidelines (Richards et al. 2015 PMID: 25741868, with internal and published modifications).

NM_025215.6(PUS1):c.545-6C>G

Gene: PUS1 (pseudouridine synthase 1; plus strand). Cytogenetic location: 12q24.33.
Variant type: single nucleotide variant.
Coding change: c.545-6C>G on transcript NM_025215.6 (MANE Select); 6 bases into the intron before coding-DNA position 545, C replaced by G.
Molecular consequence: intron variant.
Genome position (GRCh38, 1-based): chr12:131,941,286, C>G. VCF-style: chr12-131941286-C-G. GRCh37 (hg19) VCF-style: chr12-132425831-C-G.
Other names: c.461-6C>G (NM_001002019.3, NM_001002020.3); c.545-6C>G (NM_025215.5).
Identifiers: ClinVar variation 2186251 (VCV002186251.6), dbSNP rs377129914, ClinGen allele CA6884182.